The following is an entry in ClinVar:

NM_000501.4(ELN):c.1113dup (p.Ala372fs)

Gene: ELN (elastin; plus strand). Cytogenetic location: 7q11.23.
Variant type: Duplication.
Coding change: c.1113dup on transcript NM_000501.4 (MANE Select); coding-DNA position 1113, one base duplicated (A; older notation c.1113dupA).
Protein change: p.Ala372fs; shifts the reading frame from alanine 372.
Molecular consequence: frameshift variant.
Genome position (GRCh38, 1-based): chr7:74,054,732, A duplicated; the last of 2 consecutive A bases (chr7:74,054,731-74,054,732); duplicating either gives the same sequence. VCF-style (leftmost placement, unchanged base first): chr7-74054730-G-GA. GRCh37 (hg19) VCF-style: chr7-73469060-G-GA.
Other names: NM_000501.2:c.1113dupA; p.Ala372SerfsX4; c.1083dup, p.Ala362fs (NM_001081752.3, NM_001278917.2); c.1128dup, p.Ala377fs (NM_001081753.3, NM_001081754.3); c.1113dup, p.Ala372fs (NM_001081755.3, NM_001278912.2, NM_001278915.2 and 1 more transcripts); c.1005dup, p.Ala336fs (NM_001278913.2); c.1098dup, p.Ala367fs (NM_001278914.2); c.1071dup, p.Ala358fs (NM_001278916.2); and 1 more; short protein forms A336fs, A358fs, A377fs, A328fs, A372fs, A362fs, A367fs.
Identifiers: ClinVar variation 179271 (VCV000179271.4), dbSNP rs730880355, ClinGen allele CA281487.
Genomic context (GRCh38, chr7:74,054,730, plus strand): 5'-TCCTCCAATCTCTCCTGAGCATTTGTGTCCCTTTTGGTCTCTCCAGGGGTTGTGTCACCA[G>GA]AAGCAGCTGCTAAGGCAGCTGCAAAGGCAGCCAAATACGGTGAGTGCTATGCTGACAGCT-3'

ClinVar aggregate classification (germline): Pathogenic (1 of 4 stars; one submission).

Conditions:
Supravalvar aortic stenosis (SVAS). Also called: Supravalvar aortic stenosis, Eisenberg type. Identifiers: Orphanet 3193, MedGen C0003499, MONDO:0008504, OMIM 185500, HP:0004381.

Submission:

Laboratory for Molecular Medicine, Mass General Brigham Personalized Medicine
Classification: Pathogenic for Supravalvular aortic stenosis. Last evaluated: 2013-08-23. Review status: criteria provided, single submitter. Criteria: LMM Criteria. Collection method: clinical testing. Allele origin: germline. Inheritance: Autosomal dominant inheritance. Observed: 2 variant alleles.
Comment: The Ala372fs variant in ELN has not been previously reported in individuals with SVAS. This frameshift variant is predicted to alter the protein?s amino acid se quence beginning at position 372 and lead to a premature termination codon 4 ami no acids downstream. This alteration is then predicted to lead to a truncated or absent protein. Truncating variants in ELN are an established cause of SVAS (Hu man Gene Mutation Database, HGMD). In summary, the Ala372fs variant meets our cr iteria for pathogenicity based on the predicted impact of the variant.